The following is an entry in ClinVar:

NM_001005242.3(PKP2):c.1025C>T (p.Ser342Phe)

Gene: PKP2 (plakophilin 2; minus strand). Cytogenetic location: 12p11.21.
Variant type: single nucleotide variant.
Coding change: c.1025C>T on transcript NM_001005242.3 (MANE Select); coding-DNA position 1025, C replaced by T.
Protein change: p.Ser342Phe; replaces serine 342 with phenylalanine.
Molecular consequence: missense variant.
Genome position (GRCh38, 1-based): chr12:32,877,855, G>A on the plus strand (C>T on the coding strand, the complement: PKP2 is on the minus strand). VCF-style: chr12-32877855-G-A. GRCh37 (hg19) VCF-style: chr12-33030789-G-A.
Other names: c.1025C>T, p.Ser342Phe (NM_004572.4); short protein forms S342F.
Identifiers: ClinVar variation 918923 (VCV000918923.14), dbSNP rs1282672078, ClinGen allele CA384361589.
Genomic context (GRCh38, chr12:32,877,855, plus strand): 5'-GAACAGAATGTGCTGGCAATGACTGAACTGCAGAGTCAGGAGGGGACTTACCCCAGCTGG[G>A]AGTCAGTGAAAGTGCTTCTCTCAGTGAGCAGATTCCCACTTCCCCCTGCGGCCGCCTGGC-3'
Protein context (NP_001005242.2, residues 332-352): LLTERSTFTD[Ser342Phe]QLGNADMEMT

ClinVar aggregate classification (germline): Uncertain significance. Review status: criteria provided, multiple submitters, no conflicts (2 of 4 stars). 3 submissions from 3 submitters: Uncertain significance (3). Last evaluated 2026-07-31.

Conditions:
Arrhythmogenic right ventricular dysplasia 9 (ARVD9). Also called: Arrhythmogenic Right Ventricular Dysplasia/Cardiomyopathy 9; ARRHYTHMOGENIC RIGHT VENTRICULAR DYSPLASIA, FAMILIAL, 9. Identifiers: MedGen C1836906, MONDO:0012180, OMIM 609040.
Cardiomyopathy (CMYO). Also called: Cardiomyopathies. Identifiers: Orphanet 167848, MedGen C0878544, MONDO:0004994, HP:0001638. Inheritance: Various modes of inheritance.
Cardiovascular phenotype. Identifiers: MedGen CN230736.

Allele frequency attached by ClinVar (database versions not stated): gnomAD exomes 0.00001; TOPMed below 0.00001; gnomAD 0.00001.
gnomAD v4.1: 8 of 1,612,234 alleles (0.0005%); highest among the groups gnomAD compares: African/African-American, 0.0013%; no homozygotes.

Submissions (3):

Ambry Genetics
Classification: Uncertain significance for Cardiovascular phenotype. Last evaluated: 2026-07-31. Review status: criteria provided, single submitter. Criteria: Ambry Variant Classification Scheme 2023. Collection method: clinical testing. Allele origin: germline.
Comment: The p.S342F variant (also known as c.1025C>T), located in coding exon 3 of the PKP2 gene, results from a C to T substitution at nucleotide position 1025. The serine at codon 342 is replaced by phenylalanine, an amino acid with highly dissimilar properties. This amino acid position is conserved. In addition, this alteration is predicted to be tolerated by in silico analysis. Based on the available evidence, the clinical significance of this variant remains unclear.

Labcorp Genetics (formerly Invitae), Labcorp
Classification: Uncertain significance for Arrhythmogenic right ventricular dysplasia 9. Last evaluated: 2025-04-27. Review status: criteria provided, single submitter. Criteria: Invitae Variant Classification Sherloc (09022015). Collection method: clinical testing. Allele origin: germline.
Comment: This sequence change replaces serine, which is neutral and polar, with phenylalanine, which is neutral and non-polar, at codon 342 of the PKP2 protein (p.Ser342Phe). This variant is not present in population databases (gnomAD no frequency). This variant has not been reported in the literature in individuals affected with PKP2-related conditions. ClinVar contains an entry for this variant (Variation ID: 918923). An algorithm developed to predict the effect of missense changes on protein structure and function (PolyPhen-2) suggests that this variant is likely to be tolerated. In summary, the available evidence is currently insufficient to determine the role of this variant in disease. Therefore, it has been classified as a Variant of Uncertain Significance.

Color Diagnostics, LLC DBA Color Health
Classification: Uncertain significance for Cardiomyopathy. Last evaluated: 2023-12-04. Review status: criteria provided, single submitter. Criteria: ACMG Guidelines, 2015. Collection method: clinical testing. Allele origin: germline.
Comment: Variant of Uncertain Significance due to insufficient evidence: This missense variant replaces serine with phenylalanine at codon 342 of the PKP2 protein. Computational prediction tools and conservation analyses are inconclusive regarding the impact of this variant on the protein function. Computational splicing tools suggest that this variant may not impact RNA splicing. To our knowledge, functional assays have not been performed for this variant nor has this variant been reported in individuals affected with cardiovascular disorders in the literature. This variant has not been identified in the general population by the Genome Aggregation Database (gnomAD). Available evidence is insufficient to determine the role of this variant in disease conclusively.